The following is an entry in ClinVar:

ClinVar aggregate classification (germline): Uncertain significance. Review status: criteria provided, multiple submitters, no conflicts (2 of 4 stars). 2 submissions from 2 submitters: Uncertain significance (2). Last evaluated 2025-02-25.

Conditions:
Inborn genetic diseases. Identifiers: MedGen C0950123, MeSH D030342.

Submissions (2):

Labcorp Genetics (formerly Invitae), Labcorp
Classification: Uncertain significance. Last evaluated: 2025-02-25. Review status: criteria provided, single submitter. Criteria: Invitae Variant Classification Sherloc (09022015). Collection method: clinical testing. Allele origin: germline.
Comment: This sequence change replaces asparagine, which is neutral and polar, with threonine, which is neutral and polar, at codon 54 of the ATP5D protein (p.Asn54Thr). This variant is present in population databases (no rsID available, gnomAD 0.01%). This variant has not been reported in the literature in individuals affected with ATP5D-related conditions. ClinVar contains an entry for this variant (Variation ID: 2907630). An algorithm developed to predict the effect of missense changes on protein structure and function (PolyPhen-2) suggests that this variant is likely to be tolerated. In summary, the available evidence is currently insufficient to determine the role of this variant in disease. Therefore, it has been classified as a Variant of Uncertain Significance.

Ambry Genetics
Classification: Uncertain significance for Inborn genetic diseases. Last evaluated: 2021-03-02. Review status: criteria provided, single submitter. Criteria: Ambry Variant Classification Scheme 2023. Collection method: clinical testing. Allele origin: germline.
Comment: The c.161A>C (p.N54T) alteration is located in exon 2 (coding exon 2) of the ATP5D gene. This alteration results from a A to C substitution at nucleotide position 161, causing the asparagine (N) at amino acid position 54 to be replaced by a threonine (T). The p.N54T alteration is predicted to be tolerated by in silico analysis. Based on insufficient or conflicting evidence, the clinical significance of this alteration remains unclear.

NM_001687.5(ATP5F1D):c.161A>C (p.Asn54Thr)

Gene: ATP5F1D (ATP synthase F1 subunit delta; plus strand). Cytogenetic location: 19p13.3.
Variant type: single nucleotide variant.
Coding change: c.161A>C on transcript NM_001687.5 (MANE Select); coding-DNA position 161, A replaced by C.
Protein change: p.Asn54Thr; replaces asparagine 54 with threonine.
Molecular consequence: missense variant.
Genome position (GRCh38, 1-based): chr19:1,242,475, A>C. VCF-style: chr19-1242475-A-C. GRCh37 (hg19) VCF-style: chr19-1242474-A-C.
Other names: c.161A>C, p.Asn54Thr (NM_001001975.2); c.161A>C (NM_001687.4); short protein forms N54T.
Identifiers: ClinVar variation 2907630 (VCV002907630.4), dbSNP rs146990509, ClinGen allele CA304013870.